The following is an entry in ClinVar:

ClinVar aggregate classification (germline): Benign/Likely benign. Review status: criteria provided, multiple submitters, no conflicts (2 of 4 stars). 9 submissions from 9 submitters: Benign (6); Likely benign (1). 2 of the submissions do not count toward it. Last evaluated 2026-02-04.

Conditions:
Primary ciliary dyskinesia. Also called: Ciliary dyskinesia. Identifiers: Orphanet 244, MedGen C0008780, MONDO:0016575, HP:0012265.
Primary ciliary dyskinesia 7. Also called: CILIARY DYSKINESIA, PRIMARY, 7, WITH OR WITHOUT SITUS INVERSUS. Identifiers: Orphanet 244, MedGen C2678473, MONDO:0012748, OMIM 611884.

Allele frequency attached by ClinVar (database versions not stated): 1000 Genomes Project 0.45946; 1000 Genomes Project 30x 0.45956; TOPMed 0.55635; gnomAD 0.56845 and 0.57409; ExAC 0.57047; gnomAD exomes 0.57053 and 0.64868; ESP Exome Variant Server 0.59899.
gnomAD v4.1: 1,032,692 of 1,613,110 alleles (64%); highest among the groups gnomAD compares: Non-Finnish European, 69%; 339,412 homozygotes.

Submissions (9):

Labcorp Genetics (formerly Invitae), Labcorp
Classification: Benign for Primary ciliary dyskinesia. Last evaluated: 2026-02-04. Review status: criteria provided, single submitter. Criteria: Invitae Variant Classification Sherloc (09022015). Collection method: clinical testing. Allele origin: germline.

Blueprint Genetics
Classification: Likely benign. Last evaluated: 2024-11-27. Review status: criteria provided, single submitter. Criteria: ACMG Guidelines, 2015. Collection method: clinical testing. Allele origin: germline.

Mayo Clinic Laboratories, Mayo Clinic
Classification: Benign. Last evaluated: 2022-04-26. Review status: criteria provided, single submitter. Criteria: ACMG Guidelines, 2015. Collection method: clinical testing. Allele origin: germline. Observed: 168 variant alleles.

Genome-Nilou Lab
Classification: Benign for Primary ciliary dyskinesia 7. Last evaluated: 2021-07-30. Review status: criteria provided, single submitter. Criteria: ACMG Guidelines, 2015. Collection method: clinical testing. Allele origin: germline. Affected: no.

GeneDx
Classification: Benign. Last evaluated: 2018-11-10. Review status: criteria provided, single submitter. Criteria: GeneDx Variant Classification Process June 2021. Collection method: clinical testing. Allele origin: germline. Affected: yes.

Laboratory for Molecular Medicine, Mass General Brigham Personalized Medicine
Classification: Benign. Last evaluated: 2013-02-21. Review status: criteria provided, single submitter. Criteria: LMM Criteria. Collection method: clinical testing. Allele origin: germline. Observed: 90 variant alleles.
Comment: Val3708Leu in exon 68 of DNAH11: This variant is not expected to have clinical s ignificance because it has been identified in 42.1% (1548/3680) of African Ameri can chromosomes from a broad population by the NHLBI Exome Sequencing Project (dbSNP rs4722064).

PreventionGenetics, part of Exact Sciences
Classification: Benign. Review status: criteria provided, single submitter. Criteria: ACMG Guidelines, 2015. Collection method: clinical testing. Allele origin: germline.

Clinical Genetics DNA and cytogenetics Diagnostics Lab, Erasmus MC, Erasmus Medical Center
Classification: Benign. Review status: no assertion criteria provided. Collection method: clinical testing. Allele origin: germline. Affected: yes. Study: VKGL Data-share Consensus. Not counted in ClinVar's aggregate classification.

Diagnostic Laboratory, Department of Genetics, University Medical Center Groningen
Classification: Benign. Review status: no assertion criteria provided. Collection method: clinical testing. Allele origin: germline. Affected: yes. Study: VKGL Data-share Consensus. Not counted in ClinVar's aggregate classification.

NM_001277115.2(DNAH11):c.11122G>T (p.Val3708Leu)

Gene: DNAH11 (dynein axonemal heavy chain 11; plus strand). Cytogenetic location: 7p15.3.
Variant type: single nucleotide variant.
Coding change: c.11122G>T on transcript NM_001277115.2 (MANE Select); coding-DNA position 11122, G replaced by T.
Protein change: p.Val3708Leu; replaces valine 3708 with leucine.
Molecular consequence: missense variant.
Genome position (GRCh38, 1-based): chr7:21,854,375, G>T. VCF-style: chr7-21854375-G-T. GRCh37 (hg19) VCF-style: chr7-21893993-G-T.
Other names: short protein forms V3708L.
Identifiers: ClinVar variation 163121 (VCV000163121.30), dbSNP rs4722064, ClinGen allele CA175749.